The following is an entry in ClinVar:

ClinVar aggregate classification (germline): Likely benign. Review status: criteria provided, multiple submitters, no conflicts (2 of 4 stars). 2 submissions from 2 submitters: Likely benign (2). Last evaluated 2025-12-08.

Conditions:
Primary ciliary dyskinesia. Also called: Ciliary dyskinesia. Identifiers: Orphanet 244, MedGen C0008780, MONDO:0016575, HP:0012265.

Allele frequency attached by ClinVar (database versions not stated): gnomAD exomes 0.00004; ExAC 0.00005; gnomAD 0.00005 and 0.00006; TOPMed 0.00007; ESP Exome Variant Server 0.00023.
gnomAD v4.1: 147 of 1,600,836 alleles (0.0092%); highest among the groups gnomAD compares: Middle Eastern, 0.066%; no homozygotes.

Submissions (2):

Labcorp Genetics (formerly Invitae), Labcorp
Classification: Likely benign for Primary ciliary dyskinesia. Last evaluated: 2025-12-08. Review status: criteria provided, single submitter. Criteria: Invitae Variant Classification Sherloc (09022015). Collection method: clinical testing. Allele origin: germline.

CeGaT Center for Human Genetics Tuebingen
Classification: Likely benign. Last evaluated: 2023-01-01. Review status: criteria provided, single submitter. Criteria: CeGaT Center For Human Genetics Tuebingen Variant Classification Criteria Version 2. Collection method: clinical testing. Allele origin: germline. Affected: yes. Observed: 1 variant allele.
Comment: DNAH8: BP4, BP7

NM_001206927.2(DNAH8):c.13083G>A (p.Pro4361=)

Gene: DNAH8 (dynein axonemal heavy chain 8; plus strand). Cytogenetic location: 6p21.2.
Variant type: single nucleotide variant.
Coding change: c.13083G>A on transcript NM_001206927.2 (MANE Select); coding-DNA position 13083, G replaced by A.
Protein change: p.Pro4361=; no amino-acid change (proline 4361 retained).
Molecular consequence: synonymous variant.
Genome position (GRCh38, 1-based): chr6:38,990,041, G>A. VCF-style: chr6-38990041-G-A. GRCh37 (hg19) VCF-style: chr6-38957817-G-A.
Other names: c.12432G>A, p.Pro4144= (NM_001371.4).
Identifiers: ClinVar variation 525581 (VCV000525581.33), dbSNP rs143472136, ClinGen allele CA3791574.